The following is an entry in ClinVar:

ClinVar aggregate classification (germline): Likely pathogenic. Review status: criteria provided, multiple submitters, no conflicts (2 of 4 stars). 4 submissions from 4 submitters: Likely pathogenic (3). 1 of the submissions does not count toward it. Last evaluated 2023-02-22.

Conditions:
resistance to thyroid hormone (RTH).
THRB-related disorder. Also called: THRB-related condition.

Allele frequency attached by ClinVar (database versions not stated): gnomAD exomes below 0.00001.
gnomAD v4.1: 1 of 1,614,140 alleles (0.000062%); highest among the groups gnomAD compares: Non-Finnish European, 0.000085%; no homozygotes.

Submissions (4):

GeneDx
Classification: Likely pathogenic. Last evaluated: 2023-02-22. Review status: criteria provided, single submitter. Criteria: GeneDx Variant Classification Process June 2021. Collection method: clinical testing. Allele origin: germline. Affected: yes.
Comment: Published functional studies demonstrate a damaging effect as T3 binding affinity was reduced by about 50 % as compared to the wild type receptor (Asadi et al., 2008); Identified in a patient with thyroid hormone resistance in published literature (Asadi et al., 2008); Not observed at significant frequency in large population cohorts (gnomAD); In silico analysis supports that this missense variant does not alter protein structure/function; This variant is associated with the following publications: (PMID: 19378427)

Quest Diagnostics Nichols Institute San Juan Capistrano
Classification: Likely pathogenic. Last evaluated: 2023-01-31. Review status: criteria provided, single submitter. Criteria: Quest Diagnostics criteria. Collection method: clinical testing. Allele origin: unknown.
Comment: The variant has not been reported in large, multi-ethnic general populations. In the published literature, the variant has been reported in an individual affected with RTH (PMID: 19378427 (2008)). In an experimental analysis, this variant resulted in a 50% reduction in binding affinity to T3 in vitro (PMID: 19378427 (2008)). Based on the available information, this variant is classified as likely pathogenic.

Blueprint Genetics
Classification: Likely pathogenic for THRB-related disorders. Last evaluated: 2021-03-01. Review status: criteria provided, single submitter. Criteria: ACMG Guidelines, 2015. Collection method: clinical testing. Allele origin: germline. Affected: yes. Observed: 2 variant alleles.

Molecular Genetics, Labor Dr. Heidrich & Kollegen MVZ GmbH
Classification: Likely pathogenic for resistance to thyroid hormone (RTH). Last evaluated: 2025-02-21. Review status: no assertion criteria provided. Collection method: clinical testing. Allele origin: germline. Affected: yes. Not counted in ClinVar's aggregate classification.

Literature cited by the submitters: PubMed 31252411 (cited by Quest Diagnostics Nichols Institute San Juan Capistrano); PubMed 30976996 (cited by Quest Diagnostics Nichols Institute San Juan Capistrano); PubMed 19378427 (cited by Quest Diagnostics Nichols Institute San Juan Capistrano).

NM_001354712.2(THRB):c.749T>C (p.Ile250Thr)

Gene: THRB (thyroid hormone receptor beta; minus strand). Cytogenetic location: 3p24.2.
Variant type: single nucleotide variant.
Coding change: c.749T>C on transcript NM_001354712.2 (MANE Select); coding-DNA position 749, T replaced by C.
Protein change: p.Ile250Thr; replaces isoleucine 250 with threonine.
Molecular consequence: missense variant.
Genome position (GRCh38, 1-based): chr3:24,133,452, A>G on the plus strand (T>C on the coding strand, the complement: THRB is on the minus strand). VCF-style: chr3-24133452-A-G. GRCh37 (hg19) VCF-style: chr3-24174943-A-G.
Other names: c.749T>C, p.Ile250Thr (NM_000461.5, NM_001128176.3, NM_001128177.2 and 6 more transcripts); c.656T>C, p.Ile219Thr (NM_001354714.2, NM_001354715.2); short protein forms I250T, I219T.
Identifiers: ClinVar variation 619921 (VCV000619921.8), dbSNP rs1559415720, ClinGen allele CA351889881.